The following is an entry in ClinVar:

NM_000257.4(MYH7):c.732+1G>T

Gene: MYH7 (myosin heavy chain 7; minus strand). Cytogenetic location: 14q11.2.
Variant type: single nucleotide variant.
Coding change: c.732+1G>T on transcript NM_000257.4 (MANE Select); the canonical splice donor site of the intron after coding-DNA position 732, G replaced by T.
Molecular consequence: splice donor variant.
Genome position (GRCh38, 1-based): chr14:23,431,584, C>A on the plus strand (G>T on the coding strand, the complement: MYH7 is on the minus strand). VCF-style: chr14-23431584-C-A. GRCh37 (hg19) VCF-style: chr14-23900793-C-A.
Other names: c.732+1G>T (NM_001407004.1).
Identifiers: ClinVar variation 1071112 (VCV001071112.10), dbSNP rs730880850, ClinGen allele CA389052167.

ClinVar aggregate classification (germline): Pathogenic/Likely pathogenic. Review status: criteria provided, multiple submitters, no conflicts (2 of 4 stars). 2 submissions from 2 submitters: Pathogenic (1); Likely pathogenic (1). Last evaluated 2026-03-09.

Conditions:
Cardiomyopathy (CMYO). Also called: Cardiomyopathies. Identifiers: Orphanet 167848, MedGen C0878544, MONDO:0004994, HP:0001638. Inheritance: Various modes of inheritance.
Hypertrophic cardiomyopathy. Also called: HYPERTROPHIC MYOCARDIOPATHY. Identifiers: Orphanet 217569, MedGen C0007194, MeSH D002312, MONDO:0005045, HP:0001639.

Submissions (2):

Women's Health and Genetics/Laboratory Corporation of America, LabCorp
Classification: Likely pathogenic for Cardiomyopathy. Last evaluated: 2026-03-09. Review status: criteria provided, single submitter. Criteria: LabCorp Variant Classification Summary - May 2015. Collection method: clinical testing. Allele origin: germline.
Comment: Variant summary: MYH7 c.732+1G>T is located in a canonical splice-site and is predicted to affect mRNA splicing resulting in a significantly altered protein due to either exon skipping, shortening, or inclusion of intronic material. Variants that disrupt the consensus splice site are a relatively common cause of aberrant splicing, however current evidence is not sufficient to establish loss of function as a mechanism for disease. Several computational tools predict a significant impact on normal splicing: Three predict the variant abolishes a 5' splicing donor site. However, these predictions have yet to be confirmed by functional studies. The variant was absent in 251490 control chromosomes. To our knowledge, no occurrence of c.732+1G>T in individuals affected with MYH7-related conditions and no experimental evidence demonstrating its impact on protein function have been reported. A different splice donor variant at the same site has been observed in individuals with MYH7 related conditions and also observed to segregate with disease (PMID: 18506004). ClinVar contains an entry for this variant (Variation ID: 1071112). Based on the evidence outlined above, the variant was classified as likely pathogenic.

Labcorp Genetics (formerly Invitae), Labcorp
Classification: Pathogenic for Hypertrophic cardiomyopathy. Last evaluated: 2026-01-27. Review status: criteria provided, single submitter. Criteria: Invitae Variant Classification Sherloc (09022015). Collection method: clinical testing. Allele origin: germline.
Comment: This sequence change affects a donor splice site in intron 8 of the MYH7 gene. It is expected to disrupt RNA splicing. Variants that disrupt the donor or acceptor splice site typically lead to a loss of protein function (PMID: 16199547), however the current clinical and genetic evidence is not sufficient to establish whether loss-of-function variants in MYH7 cause disease. This variant is not present in population databases (gnomAD no frequency). Disruption of this splice site has been observed in individual(s) with left ventricular noncompaction (PMID: 18506004). It has also been observed to segregate with disease in related individuals. This variant is also known as 818+1G. ClinVar contains an entry for this variant (Variation ID: 1071112). Algorithms developed to predict the effect of sequence changes on RNA splicing suggest that this variant may disrupt the consensus splice site. For these reasons, this variant has been classified as Pathogenic.

Literature cited by the submitters: PubMed 16199547 (cited by Labcorp Genetics (formerly Invitae), Labcorp); PubMed 18506004 (cited by Labcorp Genetics (formerly Invitae), Labcorp).